The following is an entry in ClinVar:

ClinVar aggregate classification (germline): Conflicting classifications of pathogenicity. Review status: criteria provided, conflicting classifications (1 of 4 stars). 3 submissions from 3 submitters: Pathogenic (1); Likely pathogenic (1); Uncertain significance (1). Last evaluated 2023-03-03.

Conditions:
Cardiovascular phenotype. Identifiers: MedGen CN230736.
Dilated cardiomyopathy 1DD (CMD1DD). Identifiers: Orphanet 154, MedGen C2750995, MONDO:0013168, OMIM 613172.

Submissions (3):

Ambry Genetics
Classification: Uncertain significance for Cardiovascular phenotype. Last evaluated: 2023-03-03. Review status: criteria provided, single submitter. Criteria: Ambry Variant Classification Scheme 2023. Collection method: clinical testing. Allele origin: germline.
Comment: The p.P638R variant (also known as c.1913C>G), located in coding exon 9 of the RBM20 gene, results from a C to G substitution at nucleotide position 1913. The proline at codon 638 is replaced by arginine, an amino acid with dissimilar properties. This alteration has been reported in a cohort of individuals with cardiovascular disease (VanDyke RE et al. J Genet Couns, 2021 Apr;30:503-512). Based on internal structural analysis, this alteration disrupts a characterized motif which has other known pathogenic variants (Watanabe T et al. Front Mol Biosci, 2018 Nov;5:105; Schneider JW et al. Nat Med, 2020 Nov;26:1788-1800; Nishiyama T et al. Sci Transl Med, 2022 Nov;14:eade1633). This amino acid position is highly conserved in available vertebrate species. In addition, this alteration is predicted to be deleterious by in silico analysis. Since supporting evidence is limited at this time, the clinical significance of this alteration remains unclear.

Labcorp Genetics (formerly Invitae), Labcorp
Classification: Likely pathogenic for Dilated cardiomyopathy 1DD. Last evaluated: 2022-09-23. Review status: criteria provided, single submitter. Criteria: Invitae Variant Classification Sherloc (09022015). Collection method: clinical testing. Allele origin: germline.
Comment: ClinVar contains an entry for this variant (Variation ID: 202063). Algorithms developed to predict the effect of missense changes on protein structure and function (SIFT, PolyPhen-2, Align-GVGD) all suggest that this variant is likely to be disruptive. This variant disrupts the p.Pro6389 amino acid residue in RBM20. Other variant(s) that disrupt this residue have been determined to be pathogenic (PMID: 19712804, 22466703). This suggests that this residue is clinically significant, and that variants that disrupt this residue are likely to be disease-causing. In summary, the currently available evidence indicates that the variant is pathogenic, but additional data are needed to prove that conclusively. Therefore, this variant has been classified as Likely Pathogenic. This sequence change replaces proline, which is neutral and non-polar, with arginine, which is basic and polar, at codon 638 of the RBM20 protein (p.Pro638Arg). This variant is not present in population databases (gnomAD no frequency). This variant has not been reported in the literature in individuals affected with RBM20-related conditions.

GeneDx
Classification: Pathogenic. Last evaluated: 2017-05-08. Review status: criteria provided, single submitter. Criteria: GeneDx Variant Classification (06012015). Collection method: clinical testing. Allele origin: germline. Affected: yes.
Comment: Although the P638R pathogenic variant in the RBM20 gene has not been published as pathogenic or been reported as benign to our knowledge, it has been identified in two unrelated individuals referred for DCM testing at GeneDx and segregates with DCM in several affected family members of one of these probands. Additionally, a pathogenic variant affecting this same residue (P638L) has been reported to segregate with DCM in multiple individuals from two unrelated families (Brauch et al., 2009). Furthermore, missense variants in nearby residues (R634W, R634Q, R636C, R636S, R636H) in the highly conserved Arginine/Serine-rich (RS) domain have been reported in the Human Gene Mutation Database in association with DCM (Stenson et al., 2014), supporting the functional importance of this residue and this region of the protein. The P638R variant is a non-conservative amino acid substitution, which is likely to impact secondary protein structure as these residues differ in polarity, charge, size and/or other properties, and this substitution occurs at a position that is conserved across species. Moreover, in silico analysis predicts this variant is probably damaging to the protein structure/function. Finally, the P638R variant is not observed in large population cohorts (Lek et al., 2016; 1000 Genomes Consortium et al., 2015; Exome Variant Server).

Literature cited by the submitters: PubMed 30547036 (cited by Ambry Genetics); PubMed 33029862 (cited by Ambry Genetics); PubMed 33188278 (cited by Ambry Genetics); PubMed 36417486 (cited by Ambry Genetics); PubMed 19712804 (cited by Labcorp Genetics (formerly Invitae), Labcorp); PubMed 22466703 (cited by Labcorp Genetics (formerly Invitae), Labcorp).

NM_001134363.3(RBM20):c.1913C>G (p.Pro638Arg)

Gene: RBM20 (RNA binding motif protein 20; plus strand). Cytogenetic location: 10q25.2.
Variant type: single nucleotide variant.
Coding change: c.1913C>G on transcript NM_001134363.3 (MANE Select); coding-DNA position 1913, C replaced by G.
Protein change: p.Pro638Arg; replaces proline 638 with arginine.
Molecular consequence: missense variant.
Genome position (GRCh38, 1-based): chr10:110,812,310, C>G. VCF-style: chr10-110812310-C-G. GRCh37 (hg19) VCF-style: chr10-112572068-C-G.
Other names: p.P638R:CCG>CGG; c.1913C>G (LRG_382t1); short protein forms P638R.
Identifiers: ClinVar variation 202063 (VCV000202063.7), dbSNP rs267607003, ClinGen allele CA335549.